The following is an entry in ClinVar:

ClinVar aggregate classification (germline): Pathogenic. Review status: criteria provided, multiple submitters, no conflicts (2 of 4 stars). 2 submissions from 2 submitters: Pathogenic (2). Last evaluated 2026-03-27.

Conditions:
KBG syndrome (KBGS). Also called: ANKRD11-Related KBG Syndrome. Identifiers: Orphanet 2332, MedGen C0220687, MONDO:0007846, OMIM 148050.

Submissions (2):

Institute of Human Genetics, University of Leipzig Medical Center
Classification: Pathogenic for KBG syndrome. Last evaluated: 2026-03-27. Review status: criteria provided, single submitter. Criteria: ACMG Guidelines, 2015. Collection method: clinical testing. Allele origin: unknown. Inheritance: Autosomal dominant inheritance. Affected: yes.
Comment: Criteria applied: PVS1,PM2

GeneDx
Classification: Pathogenic. Last evaluated: 2026-03-06. Review status: criteria provided, single submitter. Criteria: GeneDx Variant Classification Process June 2021. Collection method: clinical testing. Allele origin: germline.
Comment: Nonsense variant predicted to result in protein truncation or nonsense mediated decay in a gene for which loss of function is a known mechanism of disease; Not observed at significant frequency in large population cohorts (gnomAD); Has not been previously published as pathogenic or benign to our knowledge

NM_013275.6(ANKRD11):c.3718G>T (p.Glu1240Ter)

Gene: ANKRD11 (ankyrin repeat domain 11; minus strand). Cytogenetic location: 16q24.3.
Variant type: single nucleotide variant.
Coding change: c.3718G>T on transcript NM_013275.6 (MANE Select); coding-DNA position 3718, G replaced by T.
Protein change: p.Glu1240Ter; replaces glutamic acid 1240 with a stop codon.
Molecular consequence: nonsense.
Genome position (GRCh38, 1-based): chr16:89,282,824, C>A on the plus strand (G>T on the coding strand, the complement: ANKRD11 is on the minus strand). VCF-style: chr16-89282824-C-A. GRCh37 (hg19) VCF-style: chr16-89349232-C-A.
Other names: c.3718G>T, p.Glu1240Ter (NM_001256182.2, NM_001256183.2); c.3718G>T (NM_013275.5); short protein forms E1240*.
Identifiers: ClinVar variation 4845375 (VCV004845375.2).